The following is an entry in ClinVar:

NM_003705.5(SLC25A12):c.35A>C (p.Asp12Ala)

Gene: SLC25A12 (solute carrier family 25 member 12; minus strand). Cytogenetic location: 2q31.1.
Variant type: single nucleotide variant.
Coding change: c.35A>C on transcript NM_003705.5 (MANE Select); coding-DNA position 35, A replaced by C.
Protein change: p.Asp12Ala; replaces aspartic acid 12 with alanine.
Molecular consequence: missense variant. On other transcripts: non-coding transcript variant (1).
Genome position (GRCh38, 1-based): chr2:171,893,236, T>G on the plus strand (A>C on the coding strand, the complement: SLC25A12 is on the minus strand). VCF-style: chr2-171893236-T-G. GRCh37 (hg19) VCF-style: chr2-172749746-T-G.
Other names: short protein forms D12A.
Identifiers: ClinVar variation 652574 (VCV000652574.8), dbSNP rs150071586, ClinGen allele CA1966508.
Genomic context (GRCh38, chr2:171,893,236, plus strand): 5'-TGAAAGGCACACTATGCAAGCCAATTTACCTGTAGAAATATGTTTCTTAACTCATGAGGA[T>G]CCCCTCGCTTAGTTGTCTGCACCTGTAAGCAAAAAAGAAAAAAAAGCCAGTTAATGCTTC-3'
Protein context (NP_003696.2, residues 2-22): AVKVQTTKRG[Asp12Ala]PHELRNIFLQ

ClinVar aggregate classification (germline): Uncertain significance (1 of 4 stars; one submission).

Allele frequency attached by ClinVar (database versions not stated): gnomAD exomes below 0.00001 and 0.00001; ExAC 0.00001; TOPMed 0.00003; ESP Exome Variant Server 0.00015.
gnomAD v4.1: 13 of 1,614,024 alleles (0.00081%); highest among the groups gnomAD compares: East Asian, 0.016%; no homozygotes.

Submission:

Labcorp Genetics (formerly Invitae), Labcorp
Classification: Uncertain significance. Last evaluated: 2022-03-27. Review status: criteria provided, single submitter. Criteria: Invitae Variant Classification Sherloc (09022015). Collection method: clinical testing. Allele origin: germline.
Comment: This sequence change replaces aspartic acid, which is acidic and polar, with alanine, which is neutral and non-polar, at codon 12 of the SLC25A12 protein (p.Asp12Ala). This variant is present in population databases (rs150071586, gnomAD 0.0009%). This variant has not been reported in the literature in individuals affected with SLC25A12-related conditions. ClinVar contains an entry for this variant (Variation ID: 652574). Algorithms developed to predict the effect of missense changes on protein structure and function (SIFT, PolyPhen-2, Align-GVGD) all suggest that this variant is likely to be tolerated. In summary, the available evidence is currently insufficient to determine the role of this variant in disease. Therefore, it has been classified as a Variant of Uncertain Significance.